The following is an entry in ClinVar:

ClinVar aggregate classification (germline): Uncertain significance. Review status: criteria provided, multiple submitters, no conflicts (2 of 4 stars). 3 submissions from 3 submitters: Uncertain significance (2). 1 of the submissions does not count toward it. Last evaluated 2024-11-03.

Conditions:
PHGDH deficiency. Identifiers: Orphanet 79351, MedGen C1866174, MONDO:0011152, OMIM 601815.

Allele frequency attached by ClinVar (database versions not stated): gnomAD 0.00001; gnomAD exomes 0.00001; TOPMed 0.00001.
gnomAD v4.1: 11 of 1,613,980 alleles (0.00068%); highest among the groups gnomAD compares: African/African-American, 0.0013%; no homozygotes.

Submissions (3):

Labcorp Genetics (formerly Invitae), Labcorp
Classification: Uncertain significance for PHGDH deficiency. Last evaluated: 2024-11-03. Review status: criteria provided, single submitter. Criteria: Invitae Variant Classification Sherloc (09022015). Collection method: clinical testing. Allele origin: germline.
Comment: This sequence change replaces arginine, which is basic and polar, with cysteine, which is neutral and slightly polar, at codon 294 of the PHGDH protein (p.Arg294Cys). This variant is present in population databases (no rsID available, gnomAD 0.007%). This variant has not been reported in the literature in individuals affected with PHGDH-related conditions. ClinVar contains an entry for this variant (Variation ID: 633350). Invitae Evidence Modeling of protein sequence and biophysical properties (such as structural, functional, and spatial information, amino acid conservation, physicochemical variation, residue mobility, and thermodynamic stability) has been performed for this missense variant. However, the output from this modeling did not meet the statistical confidence thresholds required to predict the impact of this variant on PHGDH protein function. In summary, the available evidence is currently insufficient to determine the role of this variant in disease. Therefore, it has been classified as a Variant of Uncertain Significance.

Women's Health and Genetics/Laboratory Corporation of America, LabCorp
Classification: Uncertain significance. Last evaluated: 2023-07-28. Review status: criteria provided, single submitter. Criteria: LabCorp Variant Classification Summary - May 2015. Collection method: clinical testing. Allele origin: germline.
Comment: Variant summary: PHGDH c.880C>T (p.Arg294Cys) results in a non-conservative amino acid change located in the D-isomer specific 2-hydroxyacid dehydrogenase, catalytic domain (IPR006139) of the encoded protein sequence. Four of four in-silico tools predict a damaging effect of the variant on protein function. The variant was absent in 251336 control chromosomes. The available data on variant occurrences in the general population are insufficient to allow any conclusion about variant significance. c.880C>T has been reported in the literature in a rare disease patient with unspecified phenotype (Stranneheim_2021). This report does not provide unequivocal conclusions about association of the variant with Neu-Laxova Syndrome1. To our knowledge, no experimental evidence demonstrating an impact on protein function has been reported. The following publication have been ascertained in the context of this evaluation (PMID: 33726816). One submitter has cited clinical-significance assessments for this variant to ClinVar after 2014 and has classified the variant as uncertain significance. Based on the evidence outlined above, the variant was classified as uncertain significance.

Natera, Inc.
Classification: Uncertain significance for Phosphoglycerate dehydrogenase deficiency. Last evaluated: 2021-09-22. Review status: no assertion criteria provided. Collection method: clinical testing. Allele origin: germline. Not counted in ClinVar's aggregate classification.

Literature cited by the submitters: PubMed 33726816 (cited by Women's Health and Genetics/Laboratory Corporation of America, LabCorp).

NM_006623.4(PHGDH):c.880C>T (p.Arg294Cys)

Gene: PHGDH (phosphoglycerate dehydrogenase; plus strand). Cytogenetic location: 1p12.
Variant type: single nucleotide variant.
Coding change: c.880C>T on transcript NM_006623.4 (MANE Select); coding-DNA position 880, C replaced by T.
Protein change: p.Arg294Cys; replaces arginine 294 with cysteine.
Molecular consequence: missense variant.
Genome position (GRCh38, 1-based): chr1:119,737,201, C>T. VCF-style: chr1-119737201-C-T. GRCh37 (hg19) VCF-style: chr1-120279824-C-T.
Other names: short protein forms R294C.
Identifiers: ClinVar variation 633350 (VCV000633350.6), dbSNP rs1390624793, ClinGen allele CA341851322.